The following is an entry in ClinVar:

NM_001145252.3(CFP):c.765A>G (p.Pro255=)

Gene: CFP (complement factor properdin; minus strand). Cytogenetic location: Xp11.23.
Variant type: single nucleotide variant.
Coding change: c.765A>G on transcript NM_001145252.3 (MANE Select); coding-DNA position 765, A replaced by G.
Protein change: p.Pro255=; no amino-acid change (proline 255 retained).
Molecular consequence: synonymous variant.
Genome position (GRCh38, 1-based): chrX:47,627,142, T>C on the plus strand (A>G on the coding strand, the complement: CFP is on the minus strand). VCF-style: chrX-47627142-T-C. GRCh37 (hg19) VCF-style: chrX-47486541-T-C.
Other names: c.765A>G, p.Pro255= (NM_002621.2).
Identifiers: ClinVar variation 3618092 (VCV003618092.2).

ClinVar aggregate classification (germline): Uncertain significance (1 of 4 stars; one submission).

Submission:

Labcorp Genetics (formerly Invitae), Labcorp
Classification: Uncertain significance. Last evaluated: 2024-02-20. Review status: criteria provided, single submitter. Criteria: Invitae Variant Classification Sherloc (09022015). Collection method: clinical testing. Allele origin: germline.
Comment: This sequence change affects codon 255 of the CFP mRNA. It is a 'silent' change, meaning that it does not change the encoded amino acid sequence of the CFP protein. It affects a nucleotide within the consensus splice site. This variant is present in population databases (no rsID available, gnomAD 0.01%). This variant has not been reported in the literature in individuals affected with CFP-related conditions. Algorithms developed to predict the effect of sequence changes on RNA splicing suggest that this variant may disrupt the consensus splice site. In summary, the available evidence is currently insufficient to determine the role of this variant in disease. Therefore, it has been classified as a Variant of Uncertain Significance.